The following is an entry in ClinVar:

NM_000384.3(APOB):c.8426A>C (p.Gln2809Pro)

Gene: APOB (apolipoprotein B; minus strand). Cytogenetic location: 2p24.1.
Variant type: single nucleotide variant.
Coding change: c.8426A>C on transcript NM_000384.3 (MANE Select); coding-DNA position 8426, A replaced by C.
Protein change: p.Gln2809Pro; replaces glutamine 2809 with proline.
Molecular consequence: missense variant.
Genome position (GRCh38, 1-based): chr2:21,008,442, T>G on the plus strand (A>C on the coding strand, the complement: APOB is on the minus strand). VCF-style: chr2-21008442-T-G. GRCh37 (hg19) VCF-style: chr2-21231314-T-G.
Other names: short protein forms Q2809P.
Identifiers: ClinVar variation 3231463 (VCV003231463.1), dbSNP rs2465366027, ClinGen allele CA345994153.
Genomic context (GRCh38, chr2:21,008,442, plus strand): 5'-TTCACTGACTCCTTCAGAGCCAGCGGATTAATCTTAGGGTTTGAGAGTTGTGCATTTGCT[T>G]GAAAATCAAAATTGAGAACTTCTAATTTGGACTCTCCTTTGGCAGTGATGGAAGCTGCGA-3'
Protein context (NP_000375.3, residues 2799-2819): SKLEVLNFDF[Gln2809Pro]ANAQLSNPKI

ClinVar aggregate classification (germline): Uncertain significance (1 of 4 stars; one submission).

Conditions:
Cardiovascular phenotype. Identifiers: MedGen CN230736.

Submission:

Ambry Genetics
Classification: Uncertain significance for Cardiovascular phenotype. Last evaluated: 2023-10-15. Review status: criteria provided, single submitter. Criteria: Ambry Variant Classification Scheme 2023. Collection method: clinical testing. Allele origin: germline.
Comment: The p.Q2809P variant (also known as c.8426A>C), located in coding exon 26 of the APOB gene, results from an A to C substitution at nucleotide position 8426. The glutamine at codon 2809 is replaced by proline, an amino acid with similar properties. This amino acid position is conserved. In addition, this alteration is predicted to be tolerated by in silico analysis. Since supporting evidence is limited at this time, the clinical significance of this alteration remains unclear.